The following is an entry in ClinVar:

NM_000089.4(COL1A2):c.1702G>A (p.Gly568Ser)

Gene: COL1A2 (collagen type I alpha 2 chain; plus strand). Cytogenetic location: 7q21.3.
Variant type: single nucleotide variant.
Coding change: c.1702G>A on transcript NM_000089.4 (MANE Select); coding-DNA position 1702, G replaced by A.
Protein change: p.Gly568Ser; replaces glycine 568 with serine.
Molecular consequence: missense variant.
Genome position (GRCh38, 1-based): chr7:94,414,258, G>A. VCF-style: chr7-94414258-G-A. GRCh37 (hg19) VCF-style: chr7-94043570-G-A.
Other names: short protein forms G568S.
Identifiers: ClinVar variation 423710 (VCV000423710.4), dbSNP rs1064796593, ClinGen allele CA16618575.

ClinVar aggregate classification (germline): Pathogenic/Likely pathogenic. Review status: criteria provided, multiple submitters, no conflicts (2 of 4 stars). 2 submissions from 2 submitters: Pathogenic (1); Likely pathogenic (1). Last evaluated 2025-05-06.

Submissions (2):

Dasa
Classification: Likely pathogenic. Last evaluated: 2025-05-06. Review status: criteria provided, single submitter. Criteria: DASA Assertion Criteria. Collection method: clinical testing. Allele origin: germline.
Comment: NM_000089.4(COL1A2):c.1702G>A (p.Gly568Ser) is a missense variant that results in the substitution of glycine with serine. The affected residue or protein region has prior evidence supporting clinical relevance. This variant has been reported in individuals with COL1A2-related disorders. Also, this variant is absent from population databases. Computational evidence supports a deleterious effect. Based on the currently available evidence, this variant is classified as likely pathogenic.

GeneDx
Classification: Pathogenic. Last evaluated: 2017-02-17. Review status: criteria provided, single submitter. Criteria: GeneDx Variant Classification (06012015). Collection method: clinical testing. Allele origin: germline. Affected: yes.
Comment: The G568S pathogenic variant has not been published as a pathogenic variant, nor has it been reported as a benign variant to our knowledge. G568S occurs in the triple helical domain and replaces the Glycine in the canonical Gly-X-Y repeat. Variants in these Glycines result in poor winding of the collagen triple helix and a less functional protein. The G568S variant is not observed in large population cohorts (Lek et al., 2016; 1000 Genomes Consortium et al., 2015; Exome Variant Server). The G568S variant is a non-conservative amino acid substitution, which is likely to impact secondary protein structure as these residues differ in polarity, charge, size and/or other properties. This substitution occurs at a position that is conserved across species. In silico analysis predicts this variant is damaging to the protein structure/function. Missense variants in nearby Glycine residues (G565S and G571R) have been reported in the Human Gene Mutation Database in association with osteogenesis imperfecta (Stenson et al., 2014), supporting the functional importance of this region of the protein. Therefore, the presence of this pathogenic variant is consistent with the diagnosis of a COL1A2-related skeletal dysplasia